The following is an entry in ClinVar:

NM_000088.4(COL1A1):c.1290G>A (p.Lys430=)

Gene: COL1A1 (collagen type I alpha 1 chain; minus strand). Cytogenetic location: 17q21.33.
Variant type: single nucleotide variant.
Coding change: c.1290G>A on transcript NM_000088.4 (MANE Select); coding-DNA position 1290, G replaced by A.
Protein change: p.Lys430=; no amino-acid change (lysine 430 retained).
Molecular consequence: synonymous variant.
Genome position (GRCh38, 1-based): chr17:50,195,241, C>T on the plus strand (G>A on the coding strand, the complement: COL1A1 is on the minus strand). VCF-style: chr17-50195241-C-T. GRCh37 (hg19) VCF-style: chr17-48272602-C-T.
Identifiers: ClinVar variation 1958687 (VCV001958687.5), dbSNP rs2509225313, ClinGen allele CA500850684.

ClinVar aggregate classification (germline): Uncertain significance (1 of 4 stars; one submission).

Conditions:
Osteogenesis imperfecta type I (OI1). Also called: OI, TYPE I; OSTEOGENESIS IMPERFECTA TARDA; OSTEOGENESIS IMPERFECTA WITH BLUE SCLERAE; Lobstein's Disease; Classic Non-deforming Osteogenesis Imperfecta with Blue Sclerae; Lobstein disease. Identifiers: Orphanet 216796, Orphanet 666, MedGen C0023931, MONDO:0008146, OMIM 166200. Disease mechanism: loss of function.

Submission:

Labcorp Genetics (formerly Invitae), Labcorp
Classification: Uncertain significance for Osteogenesis imperfecta type I. Last evaluated: 2023-05-22. Review status: criteria provided, single submitter. Criteria: Invitae Variant Classification Sherloc (09022015). Collection method: clinical testing. Allele origin: germline.
Comment: In summary, the available evidence is currently insufficient to determine the role of this variant in disease. Therefore, it has been classified as a Variant of Uncertain Significance. Algorithms developed to predict the effect of sequence changes on RNA splicing suggest that this variant may create or strengthen a splice site. ClinVar contains an entry for this variant (Variation ID: 1958687). This variant has been observed in individual(s) with clinical features of COL1A1-related conditions (Invitae). This variant is not present in population databases (gnomAD no frequency). This sequence change affects codon 430 of the COL1A1 mRNA. It is a 'silent' change, meaning that it does not change the encoded amino acid sequence of the COL1A1 protein.